The following is an entry in ClinVar:

ClinVar aggregate classification (germline): Uncertain significance (1 of 4 stars; one submission).

Conditions:
Neurofibromatosis, type 1 (NF1). Also called: NEUROFIBROMATOSIS, TYPE I, SOMATIC; Neurofibromatosis, type I; Peripheral type neurofibromatosis; VON RECKLINGHAUSEN DISEASE. Identifiers: Orphanet 636, MedGen C0027831, MONDO:0018975, OMIM 162200. Disease mechanism: loss of function.

Submission:

Labcorp Genetics (formerly Invitae), Labcorp
Classification: Uncertain significance for Neurofibromatosis, type 1. Last evaluated: 2022-02-11. Review status: criteria provided, single submitter. Criteria: Invitae Variant Classification Sherloc (09022015). Collection method: clinical testing. Allele origin: germline.
Comment: This sequence change replaces valine, which is neutral and non-polar, with glutamic acid, which is acidic and polar, at codon 2297 of the NF1 protein (p.Val2297Glu). This variant is not present in population databases (gnomAD no frequency). This variant has not been reported in the literature in individuals affected with NF1-related conditions. Advanced modeling of protein sequence and biophysical properties (such as structural, functional, and spatial information, amino acid conservation, physicochemical variation, residue mobility, and thermodynamic stability) performed at Invitae indicates that this missense variant is expected to disrupt NF1 protein function. In summary, the available evidence is currently insufficient to determine the role of this variant in disease. Therefore, it has been classified as a Variant of Uncertain Significance.

NM_001042492.3(NF1):c.6953T>A (p.Val2318Glu)

Gene: NF1 (neurofibromin 1; plus strand). Cytogenetic location: 17q11.2.
Variant type: single nucleotide variant.
Coding change: c.6953T>A on transcript NM_001042492.3 (MANE Select); coding-DNA position 6953, T replaced by A.
Protein change: p.Val2318Glu; replaces valine 2318 with glutamic acid.
Molecular consequence: missense variant.
Genome position (GRCh38, 1-based): chr17:31,340,536, T>A. VCF-style: chr17-31340536-T-A. GRCh37 (hg19) VCF-style: chr17-29667554-T-A.
Other names: c.6890T>A, p.Val2297Glu (NM_000267.4); short protein forms V2318E, V2297E.
Identifiers: ClinVar variation 2096814 (VCV002096814.4), dbSNP rs2069790813, ClinGen allele CA399014908.